The following is an entry in ClinVar:

NM_153240.5(NPHP3):c.3309C>G (p.Tyr1103Ter)

Genes: NPHP3 (nephrocystin 3; minus strand), NPHP3-ACAD11 (NPHP3-ACAD11 readthrough (NMD candidate); minus strand). Cytogenetic location: 3q22.1.
Variant type: single nucleotide variant.
Coding change: c.3309C>G on transcript NM_153240.5 (MANE Select); coding-DNA position 3309, C replaced by G.
Protein change: p.Tyr1103Ter; replaces tyrosine 1103 with a stop codon.
Molecular consequence: nonsense. On other transcripts: non-coding transcript variant (1).
Genome position (GRCh38, 1-based): chr3:132,686,280, G>C on the plus strand (C>G on the coding strand, the complement: NPHP3 is on the minus strand). VCF-style: chr3-132686280-G-C. GRCh37 (hg19) VCF-style: chr3-132405124-G-C.
Other names: short protein forms Y1103*.
Identifiers: ClinVar variation 573010 (VCV000573010.6), dbSNP rs1560000875, ClinGen allele CA354579300.

ClinVar aggregate classification (germline): Pathogenic (1 of 4 stars; one submission).

Conditions:
Nephronophthisis. Also called: Juvenile Nephronophthisis. Identifiers: Orphanet 655, MedGen C0687120, MONDO:0019005, HP:0000090.

Submission:

Labcorp Genetics (formerly Invitae), Labcorp
Classification: Pathogenic for Nephronophthisis. Last evaluated: 2021-05-03. Review status: criteria provided, single submitter. Criteria: Invitae Variant Classification Sherloc (09022015). Collection method: clinical testing. Allele origin: germline.
Comment: For these reasons, this variant has been classified as Pathogenic. Loss-of-function variants in NPHP3 are known to be pathogenic (PMID: 23559409). This variant has not been reported in the literature in individuals with NPHP3-related disease. This variant is not present in population databases (ExAC no frequency). This sequence change creates a premature translational stop signal (p.Tyr1103*) in the NPHP3 gene. It is expected to result in an absent or disrupted protein product.

Literature cited by the submitters: PubMed 23559409.